The following is an entry in ClinVar:

NM_004360.5(CDH1):c.1020_1051del (p.Tyr341fs)

Gene: CDH1 (cadherin 1; plus strand). Cytogenetic location: 16q22.1.
Variant type: Deletion.
Coding change: c.1020_1051del on transcript NM_004360.5 (MANE Select); coding-DNA positions 1020 to 1051, 32 bases deleted.
Protein change: p.Tyr341fs; shifts the reading frame from tyrosine 341.
Molecular consequence: frameshift variant. On other transcripts: 5 prime UTR variant (2).
Genome position (GRCh38, 1-based): chr16:68,812,146-68,812,177, 32 bases deleted; deleting any 32 consecutive bases within chr16:68,812,145-68,812,177 gives the same sequence; the c. name uses the placement nearest the transcript's 3' end. GRCh37 (hg19): chr16:68,846,049-68,846,080.
Other names: c.-800_-769del (NM_001317186.2); c.1020_1051del, p.Tyr341fs (NM_001317184.2); c.-596_-565del (NM_001317185.2); short protein forms Y341fs.
Identifiers: ClinVar variation 2583627 (VCV002583627.2), dbSNP rs2543923993, ClinGen allele CA2582342570.
Genomic context (GRCh38, chr16:68,812,144, plus strand): 5'-AAGGTGGCTAGTGTTCCTGGTCCTGACTTGGTTGTGTCGATCTCTCTGCAGAGTTTCCCT[ACGTATACCCTGGTGGTTCAAGCTGCTGACCTT>A]CAAGGTGAGGGGTTAAGCACAACAGCAACAGCTGTGATCACAGTCACTGACACCAACGAT-3'

ClinVar aggregate classification (germline): Pathogenic (1 of 4 stars; one submission).

Conditions:
Hereditary diffuse gastric adenocarcinoma (HDGC). Also called: DIFFUSE GASTRIC AND LOBULAR BREAST CANCER SYNDROME. Identifiers: Orphanet 26106, MedGen C1708349, MONDO:0007648, OMIM 137215.

Submission:

Myriad Genetics, Inc.
Classification: Pathogenic for Hereditary diffuse gastric adenocarcinoma. Last evaluated: 2023-06-12. Review status: criteria provided, single submitter. Criteria: Myriad Autosomal Dominant, Autosomal Recessive and X-Linked Classification Criteria (2023). Collection method: clinical testing. Allele origin: unknown.
Comment: This variant is considered pathogenic. This variant creates a frameshift predicted to result in premature protein truncation.